The following is an entry in ClinVar:

ClinVar aggregate classification (germline): Uncertain significance (1 of 4 stars; one submission).

Conditions:
Inborn genetic diseases. Identifiers: MedGen C0950123, MeSH D030342.

Submission:

Ambry Genetics
Classification: Uncertain significance for Inborn genetic diseases. Last evaluated: 2026-07-21. Review status: criteria provided, single submitter. Criteria: Ambry Variant Classification Scheme 2023. Collection method: clinical testing. Allele origin: germline.
Comment: The p.D42E variant (also known as c.126T>G), located in coding exon 2 of the CEP57 gene, results from a T to G substitution at nucleotide position 126. The aspartic acid at codon 42 is replaced by glutamic acid, an amino acid with highly similar properties. This amino acid position is conserved. In addition, this alteration is predicted to be tolerated by in silico analysis. Based on the available evidence, the clinical significance of this variant remains unclear.

NM_014679.5(CEP57):c.126T>G (p.Asp42Glu)

Gene: CEP57 (centrosomal protein 57; plus strand). Cytogenetic location: 11q21.
Variant type: single nucleotide variant.
Coding change: c.126T>G on transcript NM_014679.5 (MANE Select); coding-DNA position 126, T replaced by G.
Protein change: p.Asp42Glu; replaces aspartic acid 42 with glutamic acid.
Molecular consequence: missense variant.
Genome position (GRCh38, 1-based): chr11:95,799,312, T>G. VCF-style: chr11-95799312-T-G. GRCh37 (hg19) VCF-style: chr11-95532476-T-G.
Other names: c.99T>G, p.Asp33Glu (NM_001243776.2); c.126T>G, p.Asp42Glu (NM_001243777.2, NM_001440871.1, NM_001440872.1 and 6 more transcripts); c.45T>G, p.Asp15Glu (NM_001363604.2, NM_001440869.1, NM_001440870.1 and 4 more transcripts); short protein forms D15E, D33E, D42E.
Identifiers: ClinVar variation 5034374 (VCV005034374.1).